The following is an entry in ClinVar:

NM_003737.4(DCHS1):c.5840C>T (p.Thr1947Ile)

Gene: DCHS1 (dachsous cadherin-related 1; minus strand). Cytogenetic location: 11p15.4.
Variant type: single nucleotide variant.
Coding change: c.5840C>T on transcript NM_003737.4 (MANE Select); coding-DNA position 5840, C replaced by T.
Protein change: p.Thr1947Ile; replaces threonine 1947 with isoleucine.
Molecular consequence: missense variant.
Genome position (GRCh38, 1-based): chr11:6,627,199, G>A on the plus strand (C>T on the coding strand, the complement: DCHS1 is on the minus strand). VCF-style: chr11-6627199-G-A. GRCh37 (hg19) VCF-style: chr11-6648430-G-A.
Other names: short protein forms T1947I.
Identifiers: ClinVar variation 3644491 (VCV003644491.2).

ClinVar aggregate classification (germline): Uncertain significance (1 of 4 stars; one submission).

gnomAD v4.1: 1 of 1,613,180 alleles (0.000062%); highest among the groups gnomAD compares: East Asian, 0.0022%; no homozygotes.

Submission:

Labcorp Genetics (formerly Invitae), Labcorp
Classification: Uncertain significance. Last evaluated: 2024-03-04. Review status: criteria provided, single submitter. Criteria: Invitae Variant Classification Sherloc (09022015). Collection method: clinical testing. Allele origin: germline.
Comment: This sequence change replaces threonine, which is neutral and polar, with isoleucine, which is neutral and non-polar, at codon 1947 of the DCHS1 protein (p.Thr1947Ile). This variant is not present in population databases (gnomAD no frequency). This variant has not been reported in the literature in individuals affected with DCHS1-related conditions. Advanced modeling of protein sequence and biophysical properties (such as structural, functional, and spatial information, amino acid conservation, physicochemical variation, residue mobility, and thermodynamic stability) performed at Invitae indicates that this missense variant is not expected to disrupt DCHS1 protein function with a negative predictive value of 80%. In summary, the available evidence is currently insufficient to determine the role of this variant in disease. Therefore, it has been classified as a Variant of Uncertain Significance.